The following is an entry in ClinVar:

ClinVar aggregate classification (germline): Uncertain significance (1 of 4 stars; one submission).

Conditions:
Inborn genetic diseases. Identifiers: MedGen C0950123, MeSH D030342.

Submission:

Ambry Genetics
Classification: Uncertain significance for Inborn genetic diseases. Last evaluated: 2021-07-22. Review status: criteria provided, single submitter. Criteria: Ambry Variant Classification Scheme 2023. Collection method: clinical testing. Allele origin: germline.
Comment: The p.R381P variant (also known as c.1142G>C), located in coding exon 4 of the SMAD6 gene, results from a G to C substitution at nucleotide position 1142. The arginine at codon 381 is replaced by proline, an amino acid with dissimilar properties. This amino acid position is conserved. In addition, this alteration is predicted to be deleterious by in silico analysis. Since supporting evidence is limited at this time, the clinical significance of this alteration remains unclear.

NM_005585.5(SMAD6):c.1142G>C (p.Arg381Pro)

Gene: SMAD6 (SMAD family member 6; plus strand). Cytogenetic location: 15q22.31.
Variant type: single nucleotide variant.
Coding change: c.1142G>C on transcript NM_005585.5 (MANE Select); coding-DNA position 1142, G replaced by C.
Protein change: p.Arg381Pro; replaces arginine 381 with proline.
Molecular consequence: missense variant. On other transcripts: non-coding transcript variant (1).
Genome position (GRCh38, 1-based): chr15:66,781,186, G>C. VCF-style: chr15-66781186-G-C. GRCh37 (hg19) VCF-style: chr15-67073524-G-C.
Other names: short protein forms R381P.
Identifiers: ClinVar variation 1731684 (VCV001731684.2), dbSNP rs199839953, ClinGen allele CA393201949.